The following is an entry in ClinVar:

NM_001256789.3(CACNA1F):c.175A>G (p.Thr59Ala)

Gene: CACNA1F (calcium voltage-gated channel subunit alpha1 F; minus strand). Cytogenetic location: Xp11.23.
Variant type: single nucleotide variant.
Coding change: c.175A>G on transcript NM_001256789.3 (MANE Select); coding-DNA position 175, A replaced by G.
Protein change: p.Thr59Ala; replaces threonine 59 with alanine.
Molecular consequence: missense variant. On other transcripts: intron variant (1).
Genome position (GRCh38, 1-based): chrX:49,231,778, T>C on the plus strand (A>G on the coding strand, the complement: CACNA1F is on the minus strand). VCF-style: chrX-49231778-T-C. GRCh37 (hg19) VCF-style: chrX-49088240-T-C.
Other names: c.175A>G, p.Thr59Ala (NM_005183.4); c.66-86A>G (NM_001256790.3); c.175A>G (NM_005183.3); short protein forms T59A.
Identifiers: ClinVar variation 1061401 (VCV001061401.9), dbSNP rs782151803, ClinGen allele CA10411127.

ClinVar aggregate classification (germline): Conflicting classifications of pathogenicity. Review status: criteria provided, conflicting classifications (1 of 4 stars). 3 submissions from 3 submitters: Uncertain significance (2); Likely benign (1). Last evaluated 2025-01-13.

Conditions:
CACNA1F-related disorder. Also called: CACNA1F-related condition.

Allele frequency attached by ClinVar (database versions not stated): gnomAD exomes 0.00003 and 0.00005; ExAC 0.00006; TOPMed 0.00007; gnomAD 0.00008; 1000 Genomes Project 30x 0.00021; 1000 Genomes Project 0.00026.
gnomAD v4.1: 44 of 1,210,144 alleles (0.0036%); highest among the groups gnomAD compares: Admixed American, 0.0087%; no homozygotes.

Submissions (3):

Labcorp Genetics (formerly Invitae), Labcorp
Classification: Uncertain significance. Last evaluated: 2025-01-13. Review status: criteria provided, single submitter. Criteria: Invitae Variant Classification Sherloc (09022015). Collection method: clinical testing. Allele origin: germline.
Comment: This sequence change replaces threonine, which is neutral and polar, with alanine, which is neutral and non-polar, at codon 59 of the CACNA1F protein (p.Thr59Ala). This variant is present in population databases (rs782151803, gnomAD 0.01%). This variant has not been reported in the literature in individuals affected with CACNA1F-related conditions. ClinVar contains an entry for this variant (Variation ID: 1061401). An algorithm developed to predict the effect of missense changes on protein structure and function (PolyPhen-2) suggests that this variant is likely to be tolerated. In summary, the available evidence is currently insufficient to determine the role of this variant in disease. Therefore, it has been classified as a Variant of Uncertain Significance.

PreventionGenetics, part of Exact Sciences
Classification: Uncertain significance for CACNA1F-related condition. Last evaluated: 2024-12-31. Review status: criteria provided, single submitter. Criteria: ACMG Guidelines, 2015. Collection method: clinical testing. Allele origin: germline.
Comment: The CACNA1F c.175A>G variant is predicted to result in the amino acid substitution p.Thr59Ala. This variant was reported in an individual with congenital heart disease (Table S6, Izarzugaza et al. 2020. PubMed ID: 32859249). This variant is reported in 0.011% of alleles in individuals of European (Non-Finnish) descent in gnomAD. Although we suspect that this variant may be benign, at this time, the clinical significance of this variant is uncertain due to the absence of conclusive functional and genetic evidence.

Blueprint Genetics
Classification: Likely benign. Last evaluated: 2021-12-29. Review status: criteria provided, single submitter. Criteria: ACMG Guidelines, 2015. Collection method: clinical testing. Allele origin: germline.